The following is an entry in ClinVar:

NM_032387.5(WNK4):c.2111G>A (p.Arg704Gln)

Gene: WNK4 (WNK lysine deficient protein kinase 4; plus strand). Cytogenetic location: 17q21.2.
Variant type: single nucleotide variant.
Coding change: c.2111G>A on transcript NM_032387.5 (MANE Select); coding-DNA position 2111, G replaced by A.
Protein change: p.Arg704Gln; replaces arginine 704 with glutamine.
Molecular consequence: missense variant.
Genome position (GRCh38, 1-based): chr17:42,788,751, G>A. VCF-style: chr17-42788751-G-A. GRCh37 (hg19) VCF-style: chr17-40940769-G-A.
Other names: c.1103G>A, p.Arg368Gln (NM_001321299.2); short protein forms R368Q, R704Q.
Identifiers: ClinVar variation 3190683 (VCV003190683.2), dbSNP rs150554297, ClinGen allele CA8584221.

ClinVar aggregate classification (germline): Uncertain significance. Review status: criteria provided, multiple submitters, no conflicts (2 of 4 stars). 2 submissions from 2 submitters: Uncertain significance (2). Last evaluated 2025-12-20.

Conditions:
Inborn genetic diseases. Identifiers: MedGen C0950123, MeSH D030342.

Allele frequency attached by ClinVar (database versions not stated): gnomAD exomes 0.00001; TOPMed 0.00001; ESP Exome Variant Server 0.00008; ExAC 0.00001.
gnomAD v4.1: 11 of 1,614,152 alleles (0.00068%); highest among the groups gnomAD compares: East Asian, 0.0089%; no homozygotes.

Submissions (2):

Labcorp Genetics (formerly Invitae), Labcorp
Classification: Uncertain significance. Last evaluated: 2025-12-20. Review status: criteria provided, single submitter. Criteria: Invitae Variant Classification Sherloc (09022015). Collection method: clinical testing. Allele origin: germline.
Comment: This sequence change replaces arginine, which is basic and polar, with glutamine, which is neutral and polar, at codon 704 of the WNK4 protein (p.Arg704Gln). This variant is present in population databases (rs150554297, gnomAD 0.01%). This variant has not been reported in the literature in individuals affected with WNK4-related conditions. ClinVar contains an entry for this variant (Variation ID: 3190683). Invitae Evidence Modeling of protein sequence and biophysical properties (such as structural, functional, and spatial information, amino acid conservation, physicochemical variation, residue mobility, and thermodynamic stability) indicates that this missense variant is not expected to disrupt WNK4 protein function with a negative predictive value of 95%. In summary, the available evidence is currently insufficient to determine the role of this variant in disease. Therefore, it has been classified as a Variant of Uncertain Significance.

Ambry Genetics
Classification: Uncertain significance for Inborn genetic diseases. Last evaluated: 2024-02-28. Review status: criteria provided, single submitter. Criteria: Ambry Variant Classification Scheme 2023. Collection method: clinical testing. Allele origin: germline.